The following is an entry in ClinVar:

ClinVar aggregate classification (germline): Likely pathogenic (1 of 4 stars; one submission).

Conditions:
CAPN1-related disorder. Also called: CAPN1-related condition.

Submission:

PreventionGenetics, part of Exact Sciences
Classification: Likely pathogenic for CAPN1-related condition. Last evaluated: 2023-07-12. Review status: criteria provided, single submitter. Criteria: ACMG Guidelines, 2015. Collection method: clinical testing. Allele origin: germline.
Comment: The CAPN1 c.1565+1G>A variant is predicted to disrupt the GT donor site and interfere with normal splicing. To our knowledge, this variant has not been reported in the literature or in a large population database, indicating this variant is rare. Variants that disrupt the consensus splice donor site in CAPN1 are expected to be pathogenic. This variant is interpreted as likely pathogenic.

NM_005186.4(CAPN1):c.1565+1G>A

Gene: CAPN1 (calpain 1; plus strand). Cytogenetic location: 11q13.1.
Variant type: single nucleotide variant.
Coding change: c.1565+1G>A on transcript NM_005186.4 (MANE Select); the canonical splice donor site of the intron after coding-DNA position 1565, G replaced by A.
Molecular consequence: splice donor variant.
Genome position (GRCh38, 1-based): chr11:65,206,675, G>A. VCF-style: chr11-65206675-G-A. GRCh37 (hg19) VCF-style: chr11-64974146-G-A.
Other names: c.1565+1G>A (NM_001198868.2, NM_001198869.2).
Identifiers: ClinVar variation 2632374 (VCV002632374.1), dbSNP rs2539312217, ClinGen allele CA381252236.